The following is an entry in ClinVar:

ClinVar aggregate classification (germline): Uncertain significance (1 of 4 stars; one submission).

Submission:

Ambry Genetics
Classification: Uncertain significance. Last evaluated: 2025-04-13. Review status: criteria provided, single submitter. Criteria: Ambry Variant Classification Scheme 2023. Collection method: clinical testing. Allele origin: germline.
Comment: The p.P1818A variant (also known as c.5452C>G), located in coding exon 22 of the WNK2 gene, results from a C to G substitution at nucleotide position 5452. The proline at codon 1818 is replaced by alanine, an amino acid with highly similar properties. This amino acid position is conserved. In addition, this alteration is predicted to be tolerated by in silico analysis. Based on the available evidence, the clinical significance of this variant remains unclear.

NM_006648.4(WNK2):c.5452C>G (p.Pro1818Ala)

Gene: WNK2 (WNK lysine deficient protein kinase 2; plus strand). Cytogenetic location: 9q22.31.
Variant type: single nucleotide variant.
Coding change: c.5452C>G on transcript NM_006648.4 (MANE Select); coding-DNA position 5452, C replaced by G.
Protein change: p.Pro1818Ala; replaces proline 1818 with alanine.
Molecular consequence: missense variant.
Genome position (GRCh38, 1-based): chr9:93,292,917, C>G. VCF-style: chr9-93292917-C-G. GRCh37 (hg19) VCF-style: chr9-96055199-C-G.
Other names: c.5563C>G, p.Pro1855Ala (NM_001282394.3); short protein forms P1818A, P1855A.
Identifiers: ClinVar variation 3981878 (VCV003981878.1).